The following is an entry in ClinVar:

ClinVar aggregate classification (germline): Likely benign. Review status: reviewed by expert panel (3 of 4 stars). 6 submissions from 6 submitters: Likely benign (1). 5 of the submissions do not count toward it. Last evaluated 2017-06-29.

Conditions:
BRCA1-related disorder. Also called: BRCA1-related condition.
Hereditary breast ovarian cancer syndrome. Also called: Breast and ovarian cancer; Hereditary breast and ovarian cancer; Hereditary breast and ovarian cancer syndrome; Hereditary breast and/or ovarian cancer syndrome; BRCA1- and BRCA2-Associated Hereditary Breast and Ovarian Cancer; Hereditary breast and ovarian cancer syndrome (HBOC). Identifiers: Orphanet 145, MedGen C0677776, MeSH D061325, MONDO:0003582. Disease mechanism: loss of function.
Breast-ovarian cancer, familial, susceptibility to, 1 (BROVCA1). Also called: BRCA1 Hereditary Breast and Ovarian Cancer; OVARIAN CANCER, SUSCEPTIBILITY TO. Identifiers: Orphanet 145, MedGen C2676676, MONDO:0011450, OMIM 604370. Disease mechanism: loss of function.
Hereditary cancer-predisposing syndrome. Also called: Tumor predisposition; Hereditary Cancer Syndrome; Neoplastic Syndromes, Hereditary; Hereditary neoplastic syndrome. Identifiers: Orphanet 140162, MedGen C0027672, MeSH D009386, MONDO:0015356.

Allele frequency attached by ClinVar (database versions not stated): gnomAD 0.00001.
gnomAD v4.1: 2 of 1,614,060 alleles (0.00012%); highest among the groups gnomAD compares: African/African-American, 0.0027%; no homozygotes.

Submissions (6):

Evidence-based Network for the Interpretation of Germline Mutant Alleles (ENIGMA)
Classification: Likely benign for Breast-ovarian cancer, familial, susceptibility to, 1. Last evaluated: 2017-06-29. Review status: reviewed by expert panel. Criteria: ENIGMA BRCA1/2 Classification Criteria (2017-06-29). Collection method: curation. Allele origin: germline.
Comment: Synonymous substitution variant, with low bioinformatic likelihood to result in a splicing aberration (Splicing prior probability 0.02).

Labcorp Genetics (formerly Invitae), Labcorp
Classification: Likely benign for Hereditary breast ovarian cancer syndrome. Last evaluated: 2025-04-07. Review status: criteria provided, single submitter. Criteria: Invitae Variant Classification Sherloc (09022015). Collection method: clinical testing. Allele origin: germline. Not counted in ClinVar's aggregate classification.

Quest Diagnostics Nichols Institute San Juan Capistrano
Classification: Likely benign. Last evaluated: 2025-04-07. Review status: criteria provided, single submitter. Criteria: Quest Diagnostics criteria. Collection method: clinical testing. Allele origin: unknown. Not counted in ClinVar's aggregate classification.

Women's Health and Genetics/Laboratory Corporation of America, LabCorp
Classification: Likely benign. Last evaluated: 2020-11-21. Review status: criteria provided, single submitter. Criteria: LabCorp Variant Classification Summary - May 2015. Collection method: clinical testing. Allele origin: germline. Not counted in ClinVar's aggregate classification.

Ambry Genetics
Classification: Likely benign for Hereditary cancer-predisposing syndrome. Last evaluated: 2015-02-18. Review status: criteria provided, single submitter. Criteria: Ambry Variant Classification Scheme 2023. Collection method: clinical testing. Allele origin: germline. Not counted in ClinVar's aggregate classification.

PreventionGenetics, part of Exact Sciences
Classification: Likely benign for BRCA1-related condition. Last evaluated: 2022-11-06. Review status: no assertion criteria provided. Collection method: clinical testing. Allele origin: germline. Not counted in ClinVar's aggregate classification.
Comment: This variant is classified as likely benign based on ACMG/AMP sequence variant interpretation guidelines (Richards et al. 2015 PMID: 25741868, with internal and published modifications).

NM_007294.4(BRCA1):c.1113T>C (p.Pro371=)

Gene: BRCA1 (BRCA1 DNA repair associated; minus strand). Cytogenetic location: 17q21.31.
Variant type: single nucleotide variant.
Coding change: c.1113T>C on transcript NM_007294.4 (MANE Select); coding-DNA position 1113, T replaced by C.
Protein change: p.Pro371=; no amino-acid change (proline 371 retained).
Molecular consequence: synonymous variant. On other transcripts: intron variant (137).
Genome position (GRCh38, 1-based): chr17:43,094,418, A>G on the plus strand (T>C on the coding strand, the complement: BRCA1 is on the minus strand). VCF-style: chr17-43094418-A-G. GRCh37 (hg19) VCF-style: chr17-41246435-A-G.
Other names: c.900T>C, p.Pro300= (NM_001407571.1, NM_001407853.1, NM_001407894.1 and 9 more transcripts); c.1113T>C, p.Pro371= (NM_001407581.1, NM_001407582.1, NM_001407583.1 and 30 more transcripts); c.1110T>C, p.Pro370= (NM_001407587.1, NM_001407590.1, NM_001407591.1 and 22 more transcripts); c.1104T>C, p.Pro368= (NM_001407646.1, NM_001407647.1); c.990T>C, p.Pro330= (NM_001407648.1, NM_001407664.1, NM_001407665.1 and 19 more transcripts); c.987T>C, p.Pro329= (NM_001407649.1, NM_001407670.1, NM_001407671.1 and 11 more transcripts); c.1035T>C, p.Pro345= (NM_001407653.1, NM_001407654.1, NM_001407655.1 and 4 more transcripts); c.1032T>C, p.Pro344= (NM_001407659.1, NM_001407660.1, NM_001407661.1 and 1 more transcripts); and 40 more.
Identifiers: ClinVar variation 230530 (VCV000230530.23), dbSNP rs876658619, ClinGen allele CA10580679.